The following is an entry in ClinVar:

NM_007194.4(CHEK2):c.777_780dup (p.Ala261fs)

Gene: CHEK2 (checkpoint kinase 2; minus strand). Cytogenetic location: 22q12.1.
Variant type: Duplication.
Coding change: c.777_780dup on transcript NM_007194.4 (MANE Select); coding-DNA positions 777 to 780, 4 bases duplicated (TTCA; older notation c.777_780dupTTCA).
Protein change: p.Ala261fs; shifts the reading frame from alanine 261.
Molecular consequence: frameshift variant.
Genome position (GRCh38, 1-based): chr22:28,711,921-28,711,924, TGAA duplicated on the plus strand (TTCA on the coding strand, the reverse complement: CHEK2 is on the minus strand). VCF-style (leftmost placement, unchanged base first): chr22-28711920-C-CTGAA. GRCh37 (hg19) VCF-style: chr22-29107908-C-CTGAA.
Other names: c.906_909dup, p.Ala304Phefs (NM_001005735.3); c.114_117dup, p.Ala40Phefs (NM_001257387.3); c.576_579dup, p.Ala194Phefs (NM_001349956.3); c.777_780dup, p.Ala261Phefs (NM_145862.3); short protein forms A194fs, A261fs, A40fs, A304fs.
Identifiers: ClinVar variation 2812495 (VCV002812495.3), dbSNP rs2517959828, ClinGen allele CA2739265662.

ClinVar aggregate classification (germline): Pathogenic (1 of 4 stars; one submission).

Conditions:
Familial cancer of breast. Also called: BREAST CANCER, FAMILIAL; hereditary breast carcinoma; Hereditary breast cancer. Identifiers: Orphanet 227535, MedGen C0346153, MONDO:0016419, OMIM 114480. Disease mechanism: loss of function.

Submission:

Labcorp Genetics (formerly Invitae), Labcorp
Classification: Pathogenic for Familial cancer of breast. Last evaluated: 2022-11-07. Review status: criteria provided, single submitter. Criteria: Invitae Variant Classification Sherloc (09022015). Collection method: clinical testing. Allele origin: germline.
Comment: For these reasons, this variant has been classified as Pathogenic. This variant has not been reported in the literature in individuals affected with CHEK2-related conditions. This variant is not present in population databases (gnomAD no frequency). This sequence change creates a premature translational stop signal (p.Ala261Phefs*12) in the CHEK2 gene. It is expected to result in an absent or disrupted protein product. Loss-of-function variants in CHEK2 are known to be pathogenic (PMID: 21876083, 24713400).

Literature cited by the submitters: PubMed 21876083; PubMed 24713400.